The following is an entry in ClinVar:

ClinVar aggregate classification (germline): Uncertain significance (1 of 4 stars; one submission).

Conditions:
Multiple congenital anomalies-hypotonia-seizures syndrome 1 (MCAHS1). Also called: GLYCOSYLPHOSPHATIDYLINOSITOL BIOSYNTHESIS DEFECT 3; PIGN-CDG; Congenital disorder of glycosylation due to PIGN deficiency. Identifiers: Orphanet 280633, MedGen C3279775, MONDO:0013563, OMIM 614080.

Submission:

Labcorp Genetics (formerly Invitae), Labcorp
Classification: Uncertain significance for Multiple congenital anomalies-hypotonia-seizures syndrome 1. Last evaluated: 2019-05-30. Review status: criteria provided, single submitter. Criteria: Invitae Variant Classification Sherloc (09022015). Collection method: clinical testing. Allele origin: germline.
Comment: This sequence change replaces phenylalanine with serine at codon 563 of the PIGN protein (p.Phe563Ser). The phenylalanine residue is highly conserved and there is a large physicochemical difference between phenylalanine and serine. This variant is not present in population databases (ExAC no frequency). This variant has not been reported in the literature in individuals with PIGN-related conditions. Algorithms developed to predict the effect of missense changes on protein structure and function (SIFT, PolyPhen-2, Align-GVGD) all suggest that this variant is likely to be disruptive, but these predictions have not been confirmed by published functional studies and their clinical significance is uncertain. In summary, the available evidence is currently insufficient to determine the role of this variant in disease. Therefore, it has been classified as a Variant of Uncertain Significance.

NM_176787.5(PIGN):c.1688T>C (p.Phe563Ser)

Gene: PIGN (phosphatidylinositol glycan anchor biosynthesis class N; minus strand). Cytogenetic location: 18q21.33.
Variant type: single nucleotide variant.
Coding change: c.1688T>C on transcript NM_176787.5 (MANE Select); coding-DNA position 1688, T replaced by C.
Protein change: p.Phe563Ser; replaces phenylalanine 563 with serine.
Molecular consequence: missense variant.
Genome position (GRCh38, 1-based): chr18:62,106,868, A>G on the plus strand (T>C on the coding strand, the complement: PIGN is on the minus strand). VCF-style: chr18-62106868-A-G. GRCh37 (hg19) VCF-style: chr18-59774101-A-G.
Other names: c.1688T>C, p.Phe563Ser (NM_012327.6); short protein forms F563S.
Identifiers: ClinVar variation 950093 (VCV000950093.1), dbSNP rs1484374045, ClinGen allele CA402605084.